The following is an entry in ClinVar:

NM_000535.7(PMS2):c.50C>G (p.Pro17Arg)

Gene: PMS2 (PMS1 homolog 2, mismatch repair system component; minus strand). Cytogenetic location: 7p22.1.
Variant type: single nucleotide variant.
Coding change: c.50C>G on transcript NM_000535.7 (MANE Select); coding-DNA position 50, C replaced by G.
Protein change: p.Pro17Arg; replaces proline 17 with arginine.
Molecular consequence: missense variant. On other transcripts: 5 prime UTR variant (8), non-coding transcript variant (1), intron variant (3).
Genome position (GRCh38, 1-based): chr7:6,006,005, G>C on the plus strand (C>G on the coding strand, the complement: PMS2 is on the minus strand). VCF-style: chr7-6006005-G-C. GRCh37 (hg19) VCF-style: chr7-6045636-G-C.
Other names: c.-356C>G (NM_001018040.1, NM_001322003.2, NM_001322005.2 and 11 more transcripts); c.50C>G, p.Pro17Arg (NM_001322006.2, NM_001322014.2, NM_001406868.1 and 10 more transcripts); c.-166C>G (NM_001322007.2, NM_001406876.1, NM_001406883.1 and 4 more transcripts); c.-835C>G (NM_001322011.2, NM_001322012.2); c.-435C>G (NM_001322015.2, NM_001406875.1, NM_001406877.1 and 2 more transcripts); c.236C>G, p.Pro79Arg (NM_001406866.1); c.-382C>G (NM_001406880.1); c.-303C>G (NM_001406888.1, NM_001406889.1, NM_001406892.1 and 5 more transcripts); and 4 more; short protein forms P79R, P17R.
Identifiers: ClinVar variation 1745335 (VCV001745335.5), dbSNP rs1554306578, ClinGen allele CA366745153.

ClinVar aggregate classification (germline): Uncertain significance. Review status: criteria provided, multiple submitters, no conflicts (2 of 4 stars). 2 submissions from 2 submitters: Uncertain significance (2). Last evaluated 2023-12-27.

Conditions:
Hereditary nonpolyposis colorectal neoplasms. Identifiers: MedGen C0009405, MeSH D003123.
Hereditary cancer-predisposing syndrome. Also called: Hereditary Cancer Syndrome; Neoplastic Syndromes, Hereditary; Tumor predisposition; Hereditary neoplastic syndrome. Identifiers: Orphanet 140162, MedGen C0027672, MeSH D009386, MONDO:0015356.

Submissions (2):

Labcorp Genetics (formerly Invitae), Labcorp
Classification: Uncertain significance for Hereditary nonpolyposis colorectal neoplasms. Last evaluated: 2023-12-27. Review status: criteria provided, single submitter. Criteria: Invitae Variant Classification Sherloc (09022015). Collection method: clinical testing. Allele origin: germline.
Comment: This sequence change replaces proline, which is neutral and non-polar, with arginine, which is basic and polar, at codon 17 of the PMS2 protein (p.Pro17Arg). This variant is not present in population databases (gnomAD no frequency). This variant has not been reported in the literature in individuals affected with PMS2-related conditions. ClinVar contains an entry for this variant (Variation ID: 1745335). Advanced modeling of protein sequence and biophysical properties (such as structural, functional, and spatial information, amino acid conservation, physicochemical variation, residue mobility, and thermodynamic stability) has been performed at Invitae for this missense variant, however the output from this modeling did not meet the statistical confidence thresholds required to predict the impact of this variant on PMS2 protein function. In summary, the available evidence is currently insufficient to determine the role of this variant in disease. Therefore, it has been classified as a Variant of Uncertain Significance.

Ambry Genetics
Classification: Uncertain significance for Hereditary cancer-predisposing syndrome. Last evaluated: 2021-06-01. Review status: criteria provided, single submitter. Criteria: Ambry Variant Classification Scheme 2023. Collection method: clinical testing. Allele origin: germline.
Comment: The p.P17R variant (also known as c.50C>G), located in coding exon 2 of the PMS2 gene, results from a C to G substitution at nucleotide position 50. The proline at codon 17 is replaced by arginine, an amino acid with dissimilar properties. This variant was reported in 1/60,466 breast cancer cases and in 0/53,461 controls (Dorling et al. N Engl J Med. 2021 02;384:428-439). This amino acid position is not well conserved in available vertebrate species. In addition, the in silico prediction for this alteration is inconclusive. Since supporting evidence is limited at this time, the clinical significance of this alteration remains unclear.

Literature cited by the submitters: PubMed 33471991 (cited by Ambry Genetics).